The following is an entry in ClinVar:

ClinVar aggregate classification (germline): Uncertain significance. Review status: criteria provided, single submitter (1 of 4 stars). 2 submissions from 2 submitters: Uncertain significance (1). 1 of the submissions does not count toward it. Last evaluated 2025-12-23.

Conditions:
Bloom syndrome (BLM). Also called: Bloom-Torre-Machacek syndrome. Identifiers: Orphanet 125, MedGen C0005859, MONDO:0008876, OMIM 210900.
Hereditary cancer-predisposing syndrome. Also called: Neoplastic Syndromes, Hereditary; Tumor predisposition; Hereditary neoplastic syndrome; Hereditary Cancer Syndrome. Identifiers: Orphanet 140162, MedGen C0027672, MeSH D009386, MONDO:0015356.

Submissions (2):

Ambry Genetics
Classification: Uncertain significance for Hereditary cancer-predisposing syndrome. Last evaluated: 2025-12-23. Review status: criteria provided, single submitter. Criteria: Ambry Variant Classification Scheme 2023. Collection method: clinical testing. Allele origin: germline.
Comment: The p.I1033K variant (also known as c.3098T>A), located in coding exon 15 of the BLM gene, results from a T to A substitution at nucleotide position 3098. The isoleucine at codon 1033 is replaced by lysine, an amino acid with dissimilar properties. This amino acid position is conserved. In addition, the in silico prediction for this alteration is inconclusive. Based on the available evidence, the clinical significance of this variant remains unclear.

Natera, Inc.
Classification: Uncertain significance for Bloom syndrome. Last evaluated: 2025-05-08. Review status: no assertion criteria provided. Collection method: clinical testing. Allele origin: germline. Not counted in ClinVar's aggregate classification.

NM_000057.4(BLM):c.3098T>A (p.Ile1033Lys)

Gene: BLM (BLM RecQ like helicase; plus strand). Cytogenetic location: 15q26.1.
Variant type: single nucleotide variant.
Coding change: c.3098T>A on transcript NM_000057.4 (MANE Select); coding-DNA position 3098, T replaced by A.
Protein change: p.Ile1033Lys; replaces isoleucine 1033 with lysine.
Molecular consequence: missense variant.
Genome position (GRCh38, 1-based): chr15:90,794,245, T>A. VCF-style: chr15-90794245-T-A. GRCh37 (hg19) VCF-style: chr15-91337475-T-A.
Other names: c.3098T>A, p.Ile1033Lys (NM_001287246.2, NM_001287247.2); c.1973T>A, p.Ile658Lys (NM_001287248.2); short protein forms I1033K, I658K.
Identifiers: ClinVar variation 4063865 (VCV004063865.2).